The following is an entry in ClinVar:

ClinVar aggregate classification (germline): Pathogenic (1 of 4 stars; one submission).

Submission:

CeGaT Center for Human Genetics Tuebingen
Classification: Pathogenic. Last evaluated: 2026-09-01. Review status: criteria provided, single submitter. Criteria: CeGaT Center For Human Genetics Tuebingen Variant Classification Criteria Version 2. Collection method: clinical testing. Allele origin: germline. Affected: yes. Observed: 1 variant allele.
Comment: TCF20: PVS1, PM2

NM_001378418.1(TCF20):c.4684C>T (p.Gln1562Ter)

Gene: TCF20 (transcription factor 20; minus strand). Cytogenetic location: 22q13.2.
Variant type: single nucleotide variant.
Coding change: c.4684C>T on transcript NM_001378418.1 (MANE Select); coding-DNA position 4684, C replaced by T.
Protein change: p.Gln1562Ter; replaces glutamine 1562 with a stop codon.
Molecular consequence: nonsense.
Genome position (GRCh38, 1-based): chr22:42,210,622, G>A on the plus strand (C>T on the coding strand, the complement: TCF20 is on the minus strand). VCF-style: chr22-42210622-G-A. GRCh37 (hg19) VCF-style: chr22-42606628-G-A.
Other names: c.4684C>T, p.Gln1562Ter (NM_005650.4, NM_181492.3); short protein forms Q1562*.
Identifiers: ClinVar variation 5041644 (VCV005041644.1).